The following is an entry in ClinVar:

NM_173842.3(IL1RN):c.374T>G (p.Phe125Cys)

Gene: IL1RN (interleukin 1 receptor antagonist; plus strand). Cytogenetic location: 2q14.1.
Variant type: single nucleotide variant.
Coding change: c.374T>G on transcript NM_173842.3 (MANE Select); coding-DNA position 374, T replaced by G.
Protein change: p.Phe125Cys; replaces phenylalanine 125 with cysteine.
Molecular consequence: missense variant.
Genome position (GRCh38, 1-based): chr2:113,132,711, T>G. VCF-style: chr2-113132711-T-G. GRCh37 (hg19) VCF-style: chr2-113890288-T-G.
Other names: c.320T>G, p.Phe107Cys (NM_000577.5); c.272T>G, p.Phe91Cys (NM_001318914.2, NM_001379360.1, NM_173843.3); c.383T>G, p.Phe128Cys (NM_173841.3); short protein forms F128C, F125C, F91C, F107C.
Identifiers: ClinVar variation 566627 (VCV000566627.10), dbSNP rs1253995385, ClinGen allele CA348296024.
Genomic context (GRCh38, chr2:113,132,711, plus strand): 5'-TCCAGGCAGTTAACATCACTGACCTGAGCGAGAACAGAAAGCAGGACAAGCGCTTCGCCT[T>G]CATCCGCTCAGACAGTGGCCCCACCACCAGTTTTGAGTCTGCCGCCTGCCCCGGTTGGTT-3'
Protein context (NP_776214.1, residues 115-135): ENRKQDKRFA[Phe125Cys]IRSDSGPTTS

ClinVar aggregate classification (germline): Uncertain significance. Review status: criteria provided, multiple submitters, no conflicts (2 of 4 stars). 2 submissions from 2 submitters: Uncertain significance (2). Last evaluated 2024-10-04.

Conditions:
Sterile multifocal osteomyelitis with periostitis and pustulosis. Also called: CHRONIC RECURRENT MULTIFOCAL OSTEOMYELITIS 2, WITH PERIOSTITIS AND PUSTULOSIS. Identifiers: Orphanet 210115, MedGen C2748507, MONDO:0013021, OMIM 612852.
Inborn genetic diseases. Identifiers: MedGen C0950123, MeSH D030342.

Allele frequency attached by ClinVar (database versions not stated): gnomAD exomes 0.00001; TOPMed 0.00001; gnomAD 0.00002.
gnomAD v4.1: 12 of 1,614,126 alleles (0.00074%); highest among the groups gnomAD compares: African/African-American, 0.0013%; no homozygotes.

Submissions (2):

Ambry Genetics
Classification: Uncertain significance for Inborn genetic diseases. Last evaluated: 2024-10-04. Review status: criteria provided, single submitter. Criteria: Ambry Variant Classification Scheme 2023. Collection method: clinical testing. Allele origin: germline.

Labcorp Genetics (formerly Invitae), Labcorp
Classification: Uncertain significance for Sterile multifocal osteomyelitis with periostitis and pustulosis. Last evaluated: 2021-08-31. Review status: criteria provided, single submitter. Criteria: Invitae Variant Classification Sherloc (09022015). Collection method: clinical testing. Allele origin: germline.
Comment: This sequence change replaces phenylalanine with cysteine at codon 128 of the IL1RN protein (p.Phe128Cys). The phenylalanine residue is highly conserved and there is a large physicochemical difference between phenylalanine and cysteine. This variant is not present in population databases (ExAC no frequency). This variant has not been reported in the literature in individuals affected with IL1RN-related conditions. Algorithms developed to predict the effect of missense changes on protein structure and function (SIFT, PolyPhen-2, Align-GVGD) all suggest that this variant is likely to be disruptive. In summary, the available evidence is currently insufficient to determine the role of this variant in disease. Therefore, it has been classified as a Variant of Uncertain Significance.